The following is an entry in ClinVar:

ClinVar aggregate classification (germline): Benign/Likely benign. Review status: criteria provided, multiple submitters, no conflicts (2 of 4 stars). 12 submissions from 12 submitters: Benign (6); Likely benign (4). 2 of the submissions do not count toward it. Last evaluated 2026-04-24.

Conditions:
Dystrophin deficiency.
Becker muscular dystrophy (BMD). Also called: MUSCULAR DYSTROPHY, PSEUDOHYPERTROPHIC PROGRESSIVE, BECKER TYPE; Becker Muscular Dystrophy (BMD). Identifiers: Orphanet 98895, MedGen C0917713, MONDO:0010311, OMIM 300376.
Duchenne muscular dystrophy (DMD). Also called: MUSCULAR DYSTROPHY, PSEUDOHYPERTROPHIC PROGRESSIVE, DUCHENNE TYPE; Duchenne Muscular Dystrophy (DMD). Identifiers: Orphanet 98896, MedGen C0013264, MONDO:0010679, OMIM 310200.
Cardiomyopathy (CMYO). Also called: Cardiomyopathies. Identifiers: Orphanet 167848, MedGen C0878544, MONDO:0004994, HP:0001638. Inheritance: Various modes of inheritance.
DMD-related disorder. Also called: DMD-related condition.
Cardiovascular phenotype. Identifiers: MedGen CN230736.

Allele frequency attached by ClinVar (database versions not stated): gnomAD exomes 0.00010 and 0.00029; ExAC 0.00040; 1000 Genomes Project 0.00106; gnomAD 0.00120 and 0.00124; 1000 Genomes Project 30x 0.00125; TOPMed 0.00139; ESP Exome Variant Server 0.00208.
gnomAD v4.1: 245 of 1,208,677 alleles (0.02%); highest among the groups gnomAD compares: African/African-American, 0.37%; 1 homozygote.

Submissions (12):

Women's Health and Genetics/Laboratory Corporation of America, LabCorp
Classification: Benign. Last evaluated: 2026-04-24. Review status: criteria provided, single submitter. Criteria: LabCorp Variant Classification Summary - May 2015. Collection method: clinical testing. Allele origin: germline.

Labcorp Genetics (formerly Invitae), Labcorp
Classification: Benign for Duchenne muscular dystrophy. Last evaluated: 2026-02-02. Review status: criteria provided, single submitter. Criteria: Invitae Variant Classification Sherloc (09022015). Collection method: clinical testing. Allele origin: germline.

Molecular Diagnostic Laboratory for Inherited Cardiovascular Disease, Montreal Heart Institute
Classification: Benign. Last evaluated: 2025-04-09. Review status: criteria provided, single submitter. Criteria: ACMG Guidelines, 2015. Collection method: clinical testing. Allele origin: germline. Affected: no.

Athena Diagnostics
Classification: Benign. Last evaluated: 2025-03-13. Review status: criteria provided, single submitter. Criteria: Athena Diagnostics Criteria. Collection method: clinical testing. Allele origin: unknown.
Comment: The frequency of this variant in the general population is higher than would generally be expected for pathogenic variants in this gene. Computational tools yielded predictions that this variant is unlikely to have an effect on normal RNA splicing. This nucleotide position exhibits low evolutionary conservation.

Blueprint Genetics
Classification: Likely benign. Last evaluated: 2024-10-09. Review status: criteria provided, single submitter. Criteria: ACMG Guidelines, 2015. Collection method: clinical testing. Allele origin: germline.

CeGaT Center for Human Genetics Tuebingen
Classification: Likely benign. Last evaluated: 2022-05-01. Review status: criteria provided, single submitter. Criteria: CeGaT Center For Human Genetics Tuebingen Variant Classification Criteria Version 2. Collection method: clinical testing. Allele origin: germline. Affected: yes. Observed: 1 variant allele.
Comment: DMD: BP4, BP7

GeneDx
Classification: Benign. Last evaluated: 2021-08-23. Review status: criteria provided, single submitter. Criteria: GeneDx Variant Classification Process June 2021. Collection method: clinical testing. Allele origin: germline. Affected: yes.
Comment: This variant is associated with the following publications: (PMID: 26582918)

Ambry Genetics
Classification: Likely benign for Cardiovascular phenotype. Last evaluated: 2016-11-08. Review status: criteria provided, single submitter. Criteria: Ambry Variant Classification Scheme 2023. Collection method: clinical testing. Allele origin: germline.

Eurofins Ntd Llc (ga)
Classification: Likely benign. Last evaluated: 2015-09-15. Review status: criteria provided, single submitter. Criteria: EGL Classification Definitions 2015. Collection method: clinical testing. Allele origin: germline. Observed: 1 variant allele, 1 hemizygote.

Laboratory for Molecular Medicine, Mass General Brigham Personalized Medicine
Classification: Benign. Last evaluated: 2015-07-29. Review status: criteria provided, single submitter. Criteria: LMM Criteria. Collection method: clinical testing. Allele origin: germline. Observed: 1 variant allele.
Comment: p.Pro1755Pro in exon 37 of DMD: This variant is not expected to have clinical si gnificance because it does not alter an amino acid residue and is not located wi thin the splice consensus sequence. It has been identified in 0.4% (33/8515) of African chromosomes by the Exome Aggregation Consortium (ExAC; dbSNP rs145515413).

PreventionGenetics, part of Exact Sciences
Classification: Likely benign for DMD-related condition. Last evaluated: 2020-11-12. Review status: no assertion criteria provided. Collection method: clinical testing. Allele origin: germline. Not counted in ClinVar's aggregate classification.
Comment: This variant is classified as likely benign based on ACMG/AMP sequence variant interpretation guidelines (Richards et al. 2015 PMID: 25741868, with internal and published modifications).

Natera, Inc.
Classification: Likely benign for Becker muscular dystrophy; Cardiomyopathy; Duchenne muscular dystrophy; Dystrophin deficiency. Last evaluated: 2017-10-16. Review status: no assertion criteria provided. Collection method: clinical testing. Allele origin: germline. Not counted in ClinVar's aggregate classification.

Literature cited by the submitters: PubMed 39588385 (cited by Athena Diagnostics).

NM_004006.3(DMD):c.5265C>T (p.Pro1755=)

Gene: DMD (dystrophin; minus strand). Cytogenetic location: Xp21.1.
Variant type: single nucleotide variant.
Coding change: c.5265C>T on transcript NM_004006.3 (MANE Select); coding-DNA position 5265, C replaced by T.
Protein change: p.Pro1755=; no amino-acid change (proline 1755 retained).
Molecular consequence: synonymous variant.
Genome position (GRCh38, 1-based): chrX:32,362,848, G>A on the plus strand (C>T on the coding strand, the complement: DMD is on the minus strand). VCF-style: chrX-32362848-G-A. GRCh37 (hg19) VCF-style: chrX-32380965-G-A.
Other names: c.5241C>T, p.Pro1747= (NM_000109.4); c.5253C>T, p.Pro1751= (NM_004009.3); c.4896C>T, p.Pro1632= (NM_004010.3); c.1242C>T, p.Pro414= (NM_004011.4); c.1233C>T, p.Pro411= (NM_004012.4).
Identifiers: ClinVar variation 226567 (VCV000226567.53), dbSNP rs145515413, ClinGen allele CA10378737.